The following is an entry in ClinVar:

NM_000295.5(SERPINA1):c.49T>C (p.Cys17Arg)

Gene: SERPINA1 (serpin family A member 1; minus strand). Cytogenetic location: 14q32.13.
Variant type: single nucleotide variant.
Coding change: c.49T>C on transcript NM_000295.5 (MANE Select); coding-DNA position 49, T replaced by C.
Protein change: p.Cys17Arg; replaces cysteine 17 with arginine.
Molecular consequence: missense variant.
Genome position (GRCh38, 1-based): chr14:94,383,189, A>G on the plus strand (T>C on the coding strand, the complement: SERPINA1 is on the minus strand). VCF-style: chr14-94383189-A-G. GRCh37 (hg19) VCF-style: chr14-94849526-A-G.
Other names: c.49T>C, p.Cys17Arg (NM_001002235.3, NM_001002236.3, NM_001127700.2 and 7 more transcripts); short protein forms C17R.
Identifiers: ClinVar variation 4630493 (VCV004630493.1).
Genomic context (GRCh38, chr14:94,383,189, plus strand): 5'-TATCTGTCTTCTGGGCAGCATCTCCCTGGGGATCCTCAGCCAGGGAGACAGGGACCAGGC[A>G]GCACAGGCCTGCCAGCAGGAGGATGCCCCACGAGACAGAAGACGGCATTGTCCTGCAAGA-3'
Protein context (NP_000286.3, residues 7-27): WGILLLAGLC[Cys17Arg]LVPVSLAEDP

ClinVar aggregate classification (germline): Uncertain significance (1 of 4 stars; one submission).

Conditions:
Inborn genetic diseases. Identifiers: MedGen C0950123, MeSH D030342.

Submission:

Ambry Genetics
Classification: Uncertain significance for Inborn genetic diseases. Last evaluated: 2025-11-04. Review status: criteria provided, single submitter. Criteria: Ambry Variant Classification Scheme 2023. Collection method: clinical testing. Allele origin: germline.
Comment: The p.C17R variant (also known as c.49T>C), located in coding exon 1 of the SERPINA1 gene, results from a T to C substitution at nucleotide position 49. The cysteine at codon 17 is replaced by arginine, an amino acid with highly dissimilar properties. This amino acid position is conserved. In addition, the in silico prediction for this alteration is inconclusive. Based on the available evidence, the clinical significance of this variant remains unclear.